The following is an entry in ClinVar:

ClinVar aggregate classification (germline): Uncertain significance (1 of 4 stars; one submission).

Conditions:
Hypercoagulability syndrome due to glycosylphosphatidylinositol deficiency (GPIBD1). Also called: GLYCOSYLPHOSPHATIDYLINOSITOL BIOSYNTHESIS DEFECT 1. Identifiers: Orphanet 83639, MedGen C5201145, MONDO:0012465, OMIM 610293.

Allele frequency attached by ClinVar (database versions not stated): TOPMed 0.00001.

Submission:

Labcorp Genetics (formerly Invitae), Labcorp
Classification: Uncertain significance for Hypercoagulability syndrome due to glycosylphosphatidylinositol deficiency. Last evaluated: 2024-08-31. Review status: criteria provided, single submitter. Criteria: Invitae Variant Classification Sherloc (09022015). Collection method: clinical testing. Allele origin: germline.
Comment: This sequence change replaces glutamic acid, which is acidic and polar, with lysine, which is basic and polar, at codon 217 of the PIGM protein (p.Glu217Lys). This variant is present in population databases (no rsID available, gnomAD 0.003%). This variant has not been reported in the literature in individuals affected with PIGM-related conditions. ClinVar contains an entry for this variant (Variation ID: 1398285). Invitae Evidence Modeling of protein sequence and biophysical properties (such as structural, functional, and spatial information, amino acid conservation, physicochemical variation, residue mobility, and thermodynamic stability) indicates that this missense variant is not expected to disrupt PIGM protein function with a negative predictive value of 80%. In summary, the available evidence is currently insufficient to determine the role of this variant in disease. Therefore, it has been classified as a Variant of Uncertain Significance.

NM_145167.3(PIGM):c.649G>A (p.Glu217Lys)

Gene: PIGM (phosphatidylinositol glycan anchor biosynthesis class M; minus strand). Cytogenetic location: 1q23.2.
Variant type: single nucleotide variant.
Coding change: c.649G>A on transcript NM_145167.3 (MANE Select); coding-DNA position 649, G replaced by A.
Protein change: p.Glu217Lys; replaces glutamic acid 217 with lysine.
Molecular consequence: missense variant.
Genome position (GRCh38, 1-based): chr1:160,031,091, C>T on the plus strand (G>A on the coding strand, the complement: PIGM is on the minus strand). VCF-style: chr1-160031091-C-T. GRCh37 (hg19) VCF-style: chr1-160000881-C-T.
Other names: short protein forms E217K.
Identifiers: ClinVar variation 1398285 (VCV001398285.6), dbSNP rs536604932, ClinGen allele CA31495581.